The following is an entry in ClinVar:

ClinVar aggregate classification (germline): Uncertain significance (1 of 4 stars; one submission).

Conditions:
Cardiovascular phenotype. Identifiers: MedGen CN230736.

Submission:

Ambry Genetics
Classification: Uncertain significance for Cardiovascular phenotype. Last evaluated: 2024-12-21. Review status: criteria provided, single submitter. Criteria: Ambry Variant Classification Scheme 2023. Collection method: clinical testing. Allele origin: germline.
Comment: The p.P1748T variant (also known as c.5242C>A), located in coding exon 31 of the FLNC gene, results from a C to A substitution at nucleotide position 5242. The proline at codon 1748 is replaced by threonine, an amino acid with highly similar properties. This amino acid position is conserved. In addition, this alteration is predicted to be tolerated by in silico analysis. Based on the available evidence, the clinical significance of this variant remains unclear.

NM_001458.5(FLNC):c.5242C>A (p.Pro1748Thr)

Gene: FLNC (filamin C; plus strand). Cytogenetic location: 7q32.1.
Variant type: single nucleotide variant.
Coding change: c.5242C>A on transcript NM_001458.5 (MANE Select); coding-DNA position 5242, C replaced by A.
Protein change: p.Pro1748Thr; replaces proline 1748 with threonine.
Molecular consequence: missense variant. On other transcripts: intron variant (1).
Genome position (GRCh38, 1-based): chr7:128,850,018, C>A. VCF-style: chr7-128850018-C-A. GRCh37 (hg19) VCF-style: chr7-128490072-C-A.
Other names: c.5200-366C>A (NM_001127487.2); short protein forms P1748T.
Identifiers: ClinVar variation 3850776 (VCV003850776.1).